The following is an entry in ClinVar:

ClinVar aggregate classification (germline): Pathogenic (1 of 4 stars; one submission).

Conditions:
Arrhythmogenic cardiomyopathy with wooly hair and keratoderma. Also called: Carvajal syndrome; Dilated cardiomyopathy with woolly hair and keratoderma; Arrhythmogenic cardiomyopathy with woolly hair and keratoderma; PALMOPLANTAR KERATODERMA WITH LEFT VENTRICULAR CARDIOMYOPATHY AND WOOLLY HAIR. Identifiers: Orphanet 65282, MedGen C1854063, MONDO:0011581, OMIM 605676.
Arrhythmogenic right ventricular dysplasia 8 (ARVD8). Also called: Arrhythmogenic Right Ventricular Dysplasia/Cardiomyopathy 8; ARRHYTHMOGENIC RIGHT VENTRICULAR DYSPLASIA, FAMILIAL, 8; ARRHYTHMOGENIC RIGHT VENTRICULAR CARDIOMYOPATHY 8. Identifiers: MedGen C1843896, MONDO:0011831, OMIM 607450.

Submission:

Labcorp Genetics (formerly Invitae), Labcorp
Classification: Pathogenic for Arrhythmogenic cardiomyopathy with wooly hair and keratoderma; Arrhythmogenic right ventricular dysplasia 8. Last evaluated: 2022-08-27. Review status: criteria provided, single submitter. Criteria: Invitae Variant Classification Sherloc (09022015). Collection method: clinical testing. Allele origin: germline.
Comment: This sequence change creates a premature translational stop signal (p.Glu1493Glnfs*32) in the DSP gene. It is expected to result in an absent or disrupted protein product. Loss-of-function variants in DSP are known to be pathogenic (PMID: 20716751, 24503780, 25227139). This variant is not present in population databases (gnomAD no frequency). This variant has not been reported in the literature in individuals affected with DSP-related conditions. For these reasons, this variant has been classified as Pathogenic.

Literature cited by the submitters: PubMed 20716751; PubMed 24503780; PubMed 25227139.

NM_004415.4(DSP):c.4477_4480del (p.Glu1493fs)

Gene: DSP (desmoplakin; plus strand). Cytogenetic location: 6p24.3.
Variant type: Deletion.
Coding change: c.4477_4480del on transcript NM_004415.4 (MANE Select); coding-DNA positions 4477 to 4480, 4 bases deleted (GAAA; older notation c.4477_4480delGAAA).
Protein change: p.Glu1493fs; shifts the reading frame from glutamic acid 1493.
Molecular consequence: frameshift variant. On other transcripts: intron variant (2).
Genome position (GRCh38, 1-based): chr6:7,580,667-7,580,670, GAAA deleted; deleting any 4 consecutive bases within chr6:7,580,664-7,580,670 gives the same sequence; the c. name uses the placement nearest the transcript's 3' end. VCF-style (leftmost placement, unchanged base first): chr6-7580663-CAAAG-C. GRCh37 (hg19) VCF-style: chr6-7580896-CAAAG-C.
Other names: c.4050+427_4050+430del (NM_001319034.2); c.3582+895_3582+898del (NM_001008844.3); short protein forms E1493fs.
Identifiers: ClinVar variation 2013691 (VCV002013691.4), dbSNP rs2533928871, ClinGen allele CA2580075370.